The following is an entry in ClinVar:

ClinVar aggregate classification (germline): Uncertain significance. Review status: criteria provided, multiple submitters, no conflicts (2 of 4 stars). 2 submissions from 2 submitters: Uncertain significance (2). Last evaluated 2026-01-11.

Conditions:
Cardiovascular phenotype. Identifiers: MedGen CN230736.
Progressive familial heart block type IB (PFHB1B). Identifiers: Orphanet 871, MedGen C1970298, MONDO:0011474, OMIM 604559.

Allele frequency attached by ClinVar (database versions not stated): gnomAD exomes below 0.00001.
gnomAD v4.1: 3 of 1,614,116 alleles (0.00019%); highest among the groups gnomAD compares: African/African-American, 0.0027%; no homozygotes.

Submissions (2):

Labcorp Genetics (formerly Invitae), Labcorp
Classification: Uncertain significance for Progressive familial heart block type IB. Last evaluated: 2026-01-11. Review status: criteria provided, single submitter. Criteria: Invitae Variant Classification Sherloc (09022015). Collection method: clinical testing. Allele origin: germline.
Comment: This sequence change replaces valine, which is neutral and non-polar, with alanine, which is neutral and non-polar, at codon 1050 of the TRPM4 protein (p.Val1050Ala). This variant is not present in population databases (gnomAD no frequency). This variant has not been reported in the literature in individuals affected with TRPM4-related conditions. ClinVar contains an entry for this variant (Variation ID: 1728154). An algorithm developed to predict the effect of missense changes on protein structure and function (PolyPhen-2) suggests that this variant is likely to be disruptive. In summary, the available evidence is currently insufficient to determine the role of this variant in disease. Therefore, it has been classified as a Variant of Uncertain Significance.

Ambry Genetics
Classification: Uncertain significance for Cardiovascular phenotype. Last evaluated: 2022-03-03. Review status: criteria provided, single submitter. Criteria: Ambry Variant Classification Scheme 2023. Collection method: clinical testing. Allele origin: germline.
Comment: The p.V1050A variant (also known as c.3149T>C), located in coding exon 21 of the TRPM4 gene, results from a T to C substitution at nucleotide position 3149. The valine at codon 1050 is replaced by alanine, an amino acid with similar properties. This amino acid position is conserved. In addition, the in silico prediction for this alteration is inconclusive. Since supporting evidence is limited at this time, the clinical significance of this alteration remains unclear.

NM_017636.4(TRPM4):c.3149T>C (p.Val1050Ala)

Gene: TRPM4 (transient receptor potential cation channel subfamily M member 4; plus strand). Cytogenetic location: 19q13.33.
Variant type: single nucleotide variant.
Coding change: c.3149T>C on transcript NM_017636.4 (MANE Select); coding-DNA position 3149, T replaced by C.
Protein change: p.Val1050Ala; replaces valine 1050 with alanine.
Molecular consequence: missense variant.
Genome position (GRCh38, 1-based): chr19:49,210,226, T>C. VCF-style: chr19-49210226-T-C. GRCh37 (hg19) VCF-style: chr19-49713483-T-C.
Other names: c.2714T>C, p.Val905Ala (NM_001195227.2); c.2804T>C, p.Val935Ala (NM_001321281.2); c.1541T>C, p.Val514Ala (NM_001321282.2); c.2627T>C, p.Val876Ala (NM_001321283.2); c.2087T>C, p.Val696Ala (NM_001321285.2); short protein forms V696A, V935A, V876A, V1050A, V514A, V905A.
Identifiers: ClinVar variation 1728154 (VCV001728154.3), dbSNP rs770742260, ClinGen allele CA406771512.